The following is an entry in ClinVar:

ClinVar aggregate classification (germline): Uncertain significance (0 of 4 stars; one submission).

Conditions:
SEMA3B-related disorder. Also called: SEMA3B-related condition.

Submission:

PreventionGenetics, part of Exact Sciences
Classification: Uncertain significance for SEMA3B-related condition. Last evaluated: 2024-06-26. Review status: no assertion criteria provided. Collection method: clinical testing. Allele origin: germline.
Comment: The SEMA3B c.1834C>A variant is predicted to result in the amino acid substitution p.Arg612Ser. To our knowledge, this variant has not been reported in the literature or in a large population database, indicating this variant is rare. At this time, the clinical significance of this variant is uncertain due to the absence of conclusive functional and genetic evidence.

NM_001290060.2(SEMA3B):c.1819C>A (p.Arg607Ser)

Gene: SEMA3B (semaphorin 3B; plus strand). Cytogenetic location: 3p21.31.
Variant type: single nucleotide variant.
Coding change: c.1819C>A on transcript NM_001290060.2 (MANE Select); coding-DNA position 1819, C replaced by A.
Protein change: p.Arg607Ser; replaces arginine 607 with serine.
Molecular consequence: missense variant. On other transcripts: non-coding transcript variant (1).
Genome position (GRCh38, 1-based): chr3:50,275,818, C>A. VCF-style: chr3-50275818-C-A. GRCh37 (hg19) VCF-style: chr3-50313249-C-A.
Other names: c.1816C>A, p.Arg606Ser (NM_001005914.3); c.1834C>A, p.Arg612Ser (NM_001290061.1); c.790C>A, p.Arg264Ser (NM_001290062.2, NM_001290063.2); c.1819C>A, p.Arg607Ser (NM_004636.4); short protein forms R264S, R606S, R607S, R612S.
Identifiers: ClinVar variation 3349023 (VCV003349023.1).